The following is an entry in ClinVar:

NM_000257.4(MYH7):c.5068G>A (p.Ala1690Thr)

Genes: MHRT (myosin heavy chain associated RNA transcript; plus strand), MYH7 (myosin heavy chain 7; minus strand), LOC126861897 (BRD4-independent group 4 enhancer GRCh37_chr14:23884455-23885654; plus strand). Cytogenetic location: 14q11.2.
Variant type: single nucleotide variant.
Coding change: c.5068G>A on transcript NM_000257.4 (MANE Select); coding-DNA position 5068, G replaced by A.
Protein change: p.Ala1690Thr; replaces alanine 1690 with threonine.
Molecular consequence: missense variant. On other transcripts: non-coding transcript variant (1).
Genome position (GRCh38, 1-based): chr14:23,415,718, C>T on the plus strand (G>A on the coding strand, the complement: MYH7 is on the minus strand). VCF-style: chr14-23415718-C-T. GRCh37 (hg19) VCF-style: chr14-23884927-C-T.
Other names: c.5068G>A, p.Ala1690Thr (NM_001407004.1); short protein forms A1690T.
Identifiers: ClinVar variation 3072735 (VCV003072735.1), dbSNP rs1892170167, ClinGen allele CA389037028.
Genomic context (GRCh38, chr14:23,415,718, plus strand): 5'-TAGTCTCAATCAGCTCCTGCTCCGCCAGCTTCCGGGACCGCTCTGTCTGCTCCACCACGG[C>T]ACGCAACTCCTCCAGCTCAGCCTGCAGCAGGTTGTTGCGCCGCTCCACGATGGCGATGTT-3'
Protein context (NP_000248.2, residues 1680-1700): LLQAELEELR[Ala1690Thr]VVEQTERSRK

ClinVar aggregate classification (germline): Uncertain significance (1 of 4 stars; one submission).

Conditions:
Cardiomyopathy (CMYO). Also called: Cardiomyopathies. Identifiers: Orphanet 167848, MedGen C0878544, MONDO:0004994, HP:0001638. Inheritance: Various modes of inheritance.

Allele frequency attached by ClinVar (database versions not stated): TOPMed below 0.00001.

Submission:

All of Us Research Program, National Institutes of Health
Classification: Uncertain significance for Cardiomyopathy. Last evaluated: 2023-08-15. Review status: criteria provided, single submitter. Criteria: ACMG Guidelines, 2015. Collection method: clinical testing. Allele origin: germline. Inheritance: Autosomal dominant inheritance. Observed: 1 variant allele, 1 heterozygote.
Comment: This missense variant replaces alanine with threonine at codon 1690 of the MYH7 protein. Computational prediction suggests that this variant may not impact protein structure and function (internally defined REVEL score threshold <= 0.5, PMID: 27666373). To our knowledge, functional studies have not been reported for this variant. This variant has not been reported in individuals affected with MYH7-related disorders in the literature. This variant has not been identified in the general population by the Genome Aggregation Database (gnomAD). The available evidence is insufficient to determine the role of this variant in disease conclusively. Therefore, this variant is classified as a Variant of Uncertain Significance.

This study involves interpretation of variants in research participants for the purpose of population health screening. Participant phenotype was not available at the time of variant classification. Additional details can be found in publication PMID: 35346344, PMCID: PMC8962531